The following is an entry in ClinVar:

NM_001365276.2(TNXB):c.51G>A (p.Leu17=)

Gene: TNXB (tenascin XB; minus strand). Cytogenetic location: 6p21.33.
Variant type: single nucleotide variant.
Coding change: c.51G>A on transcript NM_001365276.2 (MANE Select); coding-DNA position 51, G replaced by A.
Protein change: p.Leu17=; no amino-acid change (leucine 17 retained).
Molecular consequence: synonymous variant.
Genome position (GRCh38, 1-based): chr6:32,098,148, C>T on the plus strand (G>A on the coding strand, the complement: TNXB is on the minus strand). VCF-style: chr6-32098148-C-T. GRCh37 (hg19) VCF-style: chr6-32065925-C-T.
Other names: p.Leu17=; c.51G>A, p.Leu17= (NM_019105.8).
Identifiers: ClinVar variation 1746021 (VCV001746021.3), dbSNP rs1471934466, ClinGen allele CA449824437.

ClinVar aggregate classification (germline): Likely benign. Review status: criteria provided, multiple submitters, no conflicts (2 of 4 stars). 2 submissions from 2 submitters: Likely benign (2). Last evaluated 2025-10-22.

Conditions:
Cardiovascular phenotype. Identifiers: MedGen CN230736.

Allele frequency attached by ClinVar (database versions not stated): TOPMed below 0.00001; gnomAD 0.00001; gnomAD exomes 0.00001.
gnomAD v4.1: 20 of 1,574,588 alleles (0.0013%); highest among the groups gnomAD compares: Middle Eastern, 0.034%; no homozygotes.

Submissions (2):

Mayo Clinic Laboratories, Mayo Clinic
Classification: Likely benign. Last evaluated: 2025-10-22. Review status: criteria provided, single submitter. Criteria: ACMG Guidelines, 2015. Collection method: clinical testing. Allele origin: germline. Observed: 1 variant allele.
Comment: BP4, BP7, PM2_supporting

Ambry Genetics
Classification: Likely benign for Cardiovascular phenotype. Last evaluated: 2019-10-05. Review status: criteria provided, single submitter. Criteria: Ambry Variant Classification Scheme 2023. Collection method: clinical testing. Allele origin: germline.